The following is an entry in ClinVar:

ClinVar aggregate classification (germline): Benign/Likely benign. Review status: criteria provided, multiple submitters, no conflicts (2 of 4 stars). 6 submissions from 6 submitters: Benign (3); Likely benign (3). Last evaluated 2026-01-31.

Conditions:
Deficiency of adenosine deaminase 2. Also called: Adenosine Deaminase 2 Deficiency; Polyarteritis nodosa, childhoood-onset; VASCULITIS, AUTOINFLAMMATION, IMMUNODEFICIENCY, AND HEMATOLOGIC DEFECTS SYNDROME. Identifiers: Orphanet 404553, MedGen C3887654, MONDO:0014306, OMIM 615688, MONDO:0100317.
Autoinflammatory syndrome. Identifiers: Orphanet 93665, MedGen C3890737, MONDO:0019751.

Allele frequency attached by ClinVar (database versions not stated): gnomAD exomes 0.00042 and 0.00120; ExAC 0.00151; gnomAD 0.00475 and 0.00508; TOPMed 0.00491; 1000 Genomes Project 0.00579; ESP Exome Variant Server 0.00615; 1000 Genomes Project 30x 0.00687.
gnomAD v4.1: 1,374 of 1,614,156 alleles (0.085%); highest among the groups gnomAD compares: African/African-American, 1.6%; 14 homozygotes.

Submissions (7):

Labcorp Genetics (formerly Invitae), Labcorp
Classification: Benign for Deficiency of adenosine deaminase 2. Last evaluated: 2026-01-31. Review status: criteria provided, single submitter. Criteria: Invitae Variant Classification Sherloc (09022015). Collection method: clinical testing. Allele origin: germline.

Women's Health and Genetics/Laboratory Corporation of America, LabCorp
Classification: Likely benign. Last evaluated: 2026-01-22. Review status: criteria provided, single submitter. Criteria: LabCorp Variant Classification Summary - May 2015. Collection method: clinical testing. Allele origin: germline.

Mayo Clinic Laboratories, Mayo Clinic
Classification: Benign. Last evaluated: 2025-05-05. Review status: criteria provided, single submitter. Criteria: ACMG Guidelines, 2015. Collection method: clinical testing. Allele origin: germline. Observed: 5 variant alleles.
Comment: BS1, BS2, BP4

Blueprint Genetics
Classification: Likely benign. Last evaluated: 2024-11-28. Review status: criteria provided, single submitter. Criteria: ACMG Guidelines, 2015. Collection method: clinical testing. Allele origin: germline.

Genome Diagnostics Laboratory, The Hospital for Sick Children
Classification: Likely benign for Autoinflammatory syndrome. Last evaluated: 2020-03-01. Review status: criteria provided, single submitter. Criteria: ACMG Guidelines, 2015. Collection method: clinical testing. Allele origin: germline. Affected: yes.

Breakthrough Genomics
Classification: Benign. Review status: criteria provided, single submitter. Criteria: ACMG Guidelines, 2015. Collection method: not provided. Allele origin: germline. Inheritance: Autosomal recessive inheritance. Affected: yes.

Dr. Peter K. Rogan Lab, Western University
No classification provided (evidence only). Condition: Acute myeloid leukemia. Review status: no classification provided. Collection method: in vitro. Allele origin: not applicable. Functional consequence: retained intron. Not counted in ClinVar's aggregate classification.

Literature cited by the submitters: PubMed 29681619 (cited by Mayo Clinic Laboratories, Mayo Clinic).

NM_001282225.2(ADA2):c.511C>T (p.Arg171Trp)

Gene: ADA2 (adenosine deaminase 2; minus strand). Cytogenetic location: 22q11.1.
Variant type: single nucleotide variant.
Coding change: c.511C>T on transcript NM_001282225.2 (MANE Select); coding-DNA position 511, C replaced by T.
Protein change: p.Arg171Trp; replaces arginine 171 with tryptophan.
Molecular consequence: missense variant.
Genome position (GRCh38, 1-based): chr22:17,207,102, G>A on the plus strand (C>T on the coding strand, the complement: ADA2 is on the minus strand). VCF-style: chr22-17207102-G-A. GRCh37 (hg19) VCF-style: chr22-17687992-G-A.
Other names: p.Arg171Trp; c.511C>T, p.Arg171Trp (NM_001282226.2); c.385C>T, p.Arg129Trp (NM_001282227.2, NM_001282228.2); c.151C>T, p.Arg51Trp (NM_001282229.2); short protein forms R171W, R51W, R129W.
Identifiers: ClinVar variation 541741 (VCV000541741.20), dbSNP rs115986203, ClinGen allele CA10088219.
Genomic context (GRCh38, chr22:17,207,102, plus strand): 5'-GGACATGTGCTTTCTGAACTACTACTCACCTGTCATCAAACTCAGTGACGTTCTGCACCC[G>A]CTTCCGATAATCCTCCAGCAGAATCCACTTGGAACATTTTTCTGATGGACGGGGAGTTGG-3'
Protein context (NP_001269154.1, residues 161-181): KWILLEDYRK[Arg171Trp]VQNVTEFDDS